The following is an entry in ClinVar:

NM_007294.4(BRCA1):c.4611_4612insG (p.Gln1538fs)

Gene: BRCA1 (BRCA1 DNA repair associated; minus strand). Cytogenetic location: 17q21.31.
Variant type: Insertion.
Coding change: c.4611_4612insG on transcript NM_007294.4 (MANE Select); coding-DNA positions 4611 to 4612, G inserted.
Protein change: p.Gln1538fs; shifts the reading frame from glutamine 1538.
Molecular consequence: frameshift variant. On other transcripts: non-coding transcript variant (1).
Genome position: GRCh38 VCF-style: chr17-43074394-G-GC. GRCh37 (hg19) VCF-style: chr17-41226411-G-GC.
Other names: 4730insG; c.1089_1090insG, p.Gln364Alafs (NM_001408491.1, NM_001408481.1, NM_001408482.1 and 5 more transcripts); c.1086_1087insG, p.Gln363Alafs (NM_001408492.1, NM_001408493.1); c.1062_1063insG, p.Gln355Alafs (NM_001408494.1); c.1056_1057insG, p.Gln353Alafs (NM_001408495.1); c.1038_1039insG, p.Gln347Alafs (NM_001408496.1, NM_001408497.1, NM_001408498.1 and 3 more transcripts); c.1035_1036insG, p.Gln346Alafs (NM_001408502.1, NM_001408503.1, NM_001408504.1); c.1032_1033insG, p.Gln345Alafs (NM_001408505.1); and 72 more; short protein forms Q1538fs, Q1559fs, Q434fs, Q1491fs.
Identifiers: ClinVar variation 55238 (VCV000055238.28), dbSNP rs80357915, ClinGen allele CA002927.
Genomic context (GRCh38, chr17:43,074,394, plus strand): 5'-GATCTTGCCTTGGCAAGTAAGATGTTTCCGTCAAATCGTGTGGCCCAGACTCTTCCAGCT[G>GC]TTGCTCCTCCACATCAACAACCTTAATGAGCTCCTCTTGAGATGGGTAGTTTCTATTCTG-3'

ClinVar aggregate classification (germline): Pathogenic. Review status: reviewed by expert panel (3 of 4 stars). 11 submissions from 11 submitters: Pathogenic (1). 10 of the submissions do not count toward it. Last evaluated 2016-09-08.

Conditions:
Hereditary cancer-predisposing syndrome. Also called: Hereditary Cancer Syndrome; Hereditary neoplastic syndrome; Neoplastic Syndromes, Hereditary; Tumor predisposition. Identifiers: Orphanet 140162, MedGen C0027672, MeSH D009386, MONDO:0015356.
Hereditary breast ovarian cancer syndrome. Also called: BRCA1- and BRCA2-Associated Hereditary Breast and Ovarian Cancer; Hereditary breast and ovarian cancer syndrome; Hereditary breast and ovarian cancer syndrome (HBOC); Breast and ovarian cancer; Hereditary breast and/or ovarian cancer syndrome; Hereditary breast and ovarian cancer. Identifiers: Orphanet 145, MedGen C0677776, MeSH D061325, MONDO:0003582. Disease mechanism: loss of function.
Breast-ovarian cancer, familial, susceptibility to, 1 (BROVCA1). Also called: BRCA1 Hereditary Breast and Ovarian Cancer; OVARIAN CANCER, SUSCEPTIBILITY TO. Identifiers: Orphanet 145, MedGen C2676676, MONDO:0011450, OMIM 604370. Disease mechanism: loss of function.

Submissions (11):

Evidence-based Network for the Interpretation of Germline Mutant Alleles (ENIGMA)
Classification: Pathogenic for Breast-ovarian cancer, familial, susceptibility to, 1. Last evaluated: 2016-09-08. Review status: reviewed by expert panel. Criteria: ENIGMA BRCA1/2 Classification Criteria (2015). Collection method: curation. Allele origin: germline.
Comment: Variant allele predicted to encode a truncated non-functional protein.

Labcorp Genetics (formerly Invitae), Labcorp
Classification: Pathogenic for Hereditary breast ovarian cancer syndrome. Last evaluated: 2025-11-25. Review status: criteria provided, single submitter. Criteria: Invitae Variant Classification Sherloc (09022015). Collection method: clinical testing. Allele origin: germline. Not counted in ClinVar's aggregate classification.
Comment: This sequence change creates a premature translational stop signal (p.Gln1538Alafs*36) in the BRCA1 gene. It is expected to result in an absent or disrupted protein product. Loss-of-function variants in BRCA1 are known to be pathogenic (PMID: 20104584). This variant is not present in population databases (gnomAD no frequency). This premature translational stop signal has been observed in individual(s) with breast cancer (PMID: 12491487, 20838878). This variant is also known as 4730insG. ClinVar contains an entry for this variant (Variation ID: 55238). For these reasons, this variant has been classified as Pathogenic.

GeneDx
Classification: Pathogenic. Last evaluated: 2024-08-19. Review status: criteria provided, single submitter. Criteria: GeneDx Variant Classification Process June 2021. Collection method: clinical testing. Allele origin: germline. Affected: yes. Not counted in ClinVar's aggregate classification.
Comment: Frameshift variant predicted to result in protein truncation or nonsense mediated decay in a gene for which loss of function is a known mechanism of disease; Not observed at significant frequency in large population cohorts (gnomAD); Truncating variants in this gene are considered pathogenic by a well-established clinical consortium and/or database; Also known as 4730_4731insG; This variant is associated with the following publications: (PMID: 20838878, 25920394, 26295337, 12491487, 23458327, 28918466, 28127413, 31825140, 20104584, 33646313, 29446198, 35216584)

Baylor Genetics
Classification: Pathogenic for Breast-ovarian cancer, familial, susceptibility to, 1. Last evaluated: 2023-08-04. Review status: criteria provided, single submitter. Criteria: ACMG Guidelines, 2015. Collection method: clinical testing. Allele origin: unknown. Not counted in ClinVar's aggregate classification.

Ambry Genetics
Classification: Pathogenic for Hereditary cancer-predisposing syndrome. Last evaluated: 2023-01-23. Review status: criteria provided, single submitter. Criteria: Ambry Variant Classification Scheme 2023. Collection method: clinical testing. Allele origin: germline. Not counted in ClinVar's aggregate classification.
Comment: The c.4611_4612insG pathogenic mutation, located in coding exon 13 of the BRCA1 gene, results from an insertion of one nucleotide at position 4611, causing a translational frameshift with a predicted alternate stop codon (p.Q1538Afs*36). This mutation has been detected in multiple individuals with hereditary breast and/or ovarian cancer (Donenberg T et al. Breast Cancer Res Treat. 2011 Jan;125:591-6; Narod et al. Mol Genet Genomic Med 2018 03;6(2):301-304; Rebbeck et al. Hum. Mutat. 2018 05;39(5):593-620). Of note, this alteration is also designated as 4730insG in published literature. This variant is considered to be rare based on population cohorts in the Genome Aggregation Database (gnomAD). In addition to the clinical data presented in the literature, this alteration is expected to result in loss of function by premature protein truncation or nonsense-mediated mRNA decay. As such, this alteration is interpreted as a disease-causing mutation.

Color Diagnostics, LLC DBA Color Health
Classification: Pathogenic for Hereditary cancer-predisposing syndrome. Last evaluated: 2022-07-26. Review status: criteria provided, single submitter. Criteria: ACMG Guidelines, 2015. Collection method: clinical testing. Allele origin: germline. Not counted in ClinVar's aggregate classification.
Comment: This variant inserts 1 nucleotide in exon 14 of the BRCA1 gene, creating a frameshift and premature translation stop signal. This variant is expected to result in an absent or non-functional protein product. This variant has been reported in 7 individuals affected with breast cancer (PMID: 20838878, 33285109) and in 1 family among the CIMBA participants (PMID: 29446198). This variant has not been identified in the general population by the Genome Aggregation Database (gnomAD). Loss of BRCA1 function is a known mechanism of disease. Based on the available evidence, this variant is classified as Pathogenic.

Women's Health and Genetics/Laboratory Corporation of America, LabCorp
Classification: Pathogenic for Hereditary breast ovarian cancer syndrome. Last evaluated: 2021-04-10. Review status: criteria provided, single submitter. Criteria: LabCorp Variant Classification Summary - May 2015. Collection method: clinical testing. Allele origin: germline. Not counted in ClinVar's aggregate classification.
Comment: Variant summary: BRCA1 c.4611_4612insG (p.Gln1538AlafsX36) results in a premature termination codon, predicted to cause a truncation of the encoded protein or absence of the protein due to nonsense mediated decay, which are commonly known mechanisms for disease. Truncations downstream of this position have been classified as pathogenic by our laboratory. The variant was absent in 251362 control chromosomes. c.4611_4612insG (also reported as 4730insG) has been reported in the literature in multiple individuals affected with Hereditary Breast And Ovarian Cancer Syndrome (example, Rebbeck_2018, Donenberg_2011). These data indicate that the variant is very likely to be associated with disease. To our knowledge, no experimental evidence demonstrating an impact on protein function has been reported. Multiple clinical diagnostic laboratories, one expert panel (ENIGMA) and a consortium (CIMBA) have submitted clinical-significance assessments for this variant to ClinVar after 2014 without evidence for independent evaluation. All submitters classified the variant as pathogenic. Based on the evidence outlined above, the variant was classified as pathogenic.

Quest Diagnostics Nichols Institute San Juan Capistrano
Classification: Pathogenic for Breast-ovarian cancer, familial, susceptibility to, 1. Last evaluated: 2016-06-03. Review status: criteria provided, single submitter. Criteria: Quest Diagnostics criteria. Collection method: clinical testing. Allele origin: germline. Inheritance: Autosomal dominant inheritance. Not counted in ClinVar's aggregate classification.

Consortium of Investigators of Modifiers of BRCA1/2 (CIMBA), c/o University of Cambridge
Classification: Pathogenic for Breast-ovarian cancer, familial, susceptibility to, 1. Last evaluated: 2015-10-02. Review status: criteria provided, single submitter. Criteria: CIMBA Mutation Classification guidelines May 2016. Collection method: clinical testing. Allele origin: germline. Not counted in ClinVar's aggregate classification.

Research Molecular Genetics Laboratory, Women's College Hospital, University of Toronto
Classification: Pathogenic for Hereditary breast ovarian cancer syndrome. Last evaluated: 2014-01-31. Review status: no assertion criteria provided. Collection method: research. Allele origin: germline. Affected: yes. Study: The Canadian Open Genetics Repository (COGR). Not counted in ClinVar's aggregate classification.

Breast Cancer Information Core (BIC) (BRCA1)
Classification: Pathogenic for Breast-ovarian cancer, familial 1. Last evaluated: 2004-02-20. Review status: no assertion criteria provided. Collection method: clinical testing. Allele origin: germline. Affected: yes. Observed: 4 variant alleles. Not counted in ClinVar's aggregate classification.

Literature cited by the submitters: PubMed 20104584 (cited by Labcorp Genetics (formerly Invitae), Labcorp); PubMed 12491487 (cited by Labcorp Genetics (formerly Invitae), Labcorp and Quest Diagnostics Nichols Institute San Juan Capistrano); PubMed 20838878 (cited by 5 submitters); PubMed 29446198 (cited by Color Diagnostics, LLC DBA Color Health and Women's Health and Genetics/Laboratory Corporation of America, LabCorp); PubMed 33285109 (cited by Color Diagnostics, LLC DBA Color Health); PubMed 25920394 (cited by Quest Diagnostics Nichols Institute San Juan Capistrano); PubMed 26295337 (cited by Quest Diagnostics Nichols Institute San Juan Capistrano).